The following is an entry in ClinVar:

NM_147127.5(EVC2):c.1A>G (p.Met1Val)

Gene: EVC2 (EvC ciliary complex subunit 2; minus strand). Cytogenetic location: 4p16.2.
Variant type: single nucleotide variant.
Coding change: c.1A>G on transcript NM_147127.5 (MANE Select); coding-DNA position 1, A replaced by G.
Protein change: p.Met1Val; changes the start codon (methionine 1).
Molecular consequence: missense variant, initiator codon variant. On other transcripts: intron variant (1).
Genome position (GRCh38, 1-based): chr4:5,708,513, T>C on the plus strand (A>G on the coding strand, the complement: EVC2 is on the minus strand). VCF-style: chr4-5708513-T-C. GRCh37 (hg19) VCF-style: chr4-5710240-T-C.
Other names: c.-13+316A>G (NM_001166136.2); short protein forms M1V.
Identifiers: ClinVar variation 4795018 (VCV004795018.1).

ClinVar aggregate classification (germline): Uncertain significance (1 of 4 stars; one submission).

Conditions:
Ellis-van Creveld syndrome (EVC). Also called: MESOECTODERMAL DYSPLASIA; EVC-Related Ellis-van Creveld Syndrome; EVC2-Related Ellis-van Creveld Syndrome; Chondroectodermal dysplasia. Identifiers: Orphanet 289, MedGen C0013903, MONDO:0009162, OMIM 225500.
Curry-Hall syndrome (WAD). Also called: WEYERS ACRODENTAL DYSOSTOSIS. Identifiers: Orphanet 952, MedGen C0457013, MONDO:0008673, OMIM 193530.

Submission:

Labcorp Genetics (formerly Invitae), Labcorp
Classification: Uncertain significance for Curry-Hall syndrome; Ellis-van Creveld syndrome. Last evaluated: 2026-01-12. Review status: criteria provided, single submitter. Criteria: Invitae Variant Classification Sherloc (09022015). Collection method: clinical testing. Allele origin: germline.
Comment: This sequence change affects the initiator codon of the EVC2 mRNA. This change may impact translation initiation or efficiency. The next in-frame methionine is located at codon 81. This variant is not present in population databases (gnomAD no frequency). This variant has not been reported in the literature in individuals affected with EVC2-related conditions. In summary, the available evidence is currently insufficient to determine the role of this variant in disease. Therefore, it has been classified as a Variant of Uncertain Significance.